The following is an entry in ClinVar:

ClinVar aggregate classification (germline): Uncertain significance (1 of 4 stars; one submission).

Conditions:
Neurofibromatosis, type 1 (NF1). Also called: NEUROFIBROMATOSIS, TYPE I, SOMATIC; Neurofibromatosis, type I; VON RECKLINGHAUSEN DISEASE; Peripheral type neurofibromatosis. Identifiers: Orphanet 636, MedGen C0027831, MONDO:0018975, OMIM 162200. Disease mechanism: loss of function.

Submission:

Labcorp Genetics (formerly Invitae), Labcorp
Classification: Uncertain significance for Neurofibromatosis, type 1. Last evaluated: 2021-05-27. Review status: criteria provided, single submitter. Criteria: Invitae Variant Classification Sherloc (09022015). Collection method: clinical testing. Allele origin: germline.
Comment: In summary, the available evidence is currently insufficient to determine the role of this variant in disease. Therefore, it has been classified as a Variant of Uncertain Significance. Algorithms developed to predict the effect of missense changes on protein structure and function are either unavailable or do not agree on the potential impact of this missense change (SIFT: "Deleterious"; PolyPhen-2: "Probably Damaging"; Align-GVGD: "Class C0"). This variant has not been reported in the literature in individuals with NF1-related conditions. This variant is not present in population databases (ExAC no frequency). This sequence change replaces glutamine with proline at codon 2683 of the NF1 protein (p.Gln2683Pro). The glutamine residue is moderately conserved and there is a moderate physicochemical difference between glutamine and proline.

NM_001042492.3(NF1):c.8111A>C (p.Gln2704Pro)

Gene: NF1 (neurofibromin 1; plus strand). Cytogenetic location: 17q11.2.
Variant type: single nucleotide variant.
Coding change: c.8111A>C on transcript NM_001042492.3 (MANE Select); coding-DNA position 8111, A replaced by C.
Protein change: p.Gln2704Pro; replaces glutamine 2704 with proline.
Molecular consequence: missense variant.
Genome position (GRCh38, 1-based): chr17:31,358,620, A>C. VCF-style: chr17-31358620-A-C. GRCh37 (hg19) VCF-style: chr17-29685638-A-C.
Other names: c.8048A>C, p.Gln2683Pro (NM_000267.4); short protein forms Q2683P, Q2704P.
Identifiers: ClinVar variation 1493981 (VCV001493981.8), dbSNP rs2151585162, ClinGen allele CA399204017.